The following is an entry in ClinVar:

ClinVar aggregate classification (germline): Likely benign. Review status: criteria provided, multiple submitters, no conflicts (2 of 4 stars). 2 submissions from 2 submitters: Likely benign (2). Last evaluated 2026-01-12.

Conditions:
Pyruvate carboxylase deficiency. Also called: LEIGH NECROTIZING ENCEPHALOPATHY DUE TO PYRUVATE CARBOXYLASE DEFICIENCY; LEIGH SYNDROME DUE TO PYRUVATE CARBOXYLASE DEFICIENCY; PC DEFICIENCY; ATAXIA WITH LACTIC ACIDOSIS II; Pyruvate Carboxylase Deficiency Disease. Identifiers: Orphanet 3008, MedGen C0034341, MONDO:0009949, OMIM 266150.

Allele frequency attached by ClinVar (database versions not stated): gnomAD 0.00001; gnomAD exomes 0.00001 and 0.00004; TOPMed 0.00001; ExAC 0.00003.
gnomAD v4.1: 20 of 1,581,652 alleles (0.0013%); highest among the groups gnomAD compares: Admixed American, 0.009%; no homozygotes.

Submissions (2):

Labcorp Genetics (formerly Invitae), Labcorp
Classification: Likely benign for Pyruvate carboxylase deficiency. Last evaluated: 2026-01-12. Review status: criteria provided, single submitter. Criteria: Invitae Variant Classification Sherloc (09022015). Collection method: clinical testing. Allele origin: germline.

GeneDx
Classification: Likely benign. Last evaluated: 2012-11-26. Review status: criteria provided, single submitter. Criteria: GeneDx Variant Classification (06012015). Collection method: clinical testing. Allele origin: germline. Affected: yes.
Comment: This variant is considered likely benign or benign based on one or more of the following criteria: it is a conservative change, it occurs at a poorly conserved position in the protein, it is predicted to be benign by multiple in silico algorithms, and/or has population frequency not consistent with disease.

NM_001040716.2(PC):c.14G>A (p.Arg5Gln)

Gene: PC (pyruvate carboxylase; minus strand). Cytogenetic location: 11q13.2.
Variant type: single nucleotide variant.
Coding change: c.14G>A on transcript NM_001040716.2 (MANE Select); coding-DNA position 14, G replaced by A.
Protein change: p.Arg5Gln; replaces arginine 5 with glutamine.
Molecular consequence: missense variant.
Genome position (GRCh38, 1-based): chr11:66,872,146, C>T on the plus strand (G>A on the coding strand, the complement: PC is on the minus strand). VCF-style: chr11-66872146-C-T. GRCh37 (hg19) VCF-style: chr11-66639617-C-T.
Other names: p.R5Q:CGA>CAA; c.14G>A, p.Arg5Gln (NM_000920.4, NM_022172.3); short protein forms R5Q.
Identifiers: ClinVar variation 203904 (VCV000203904.6), dbSNP rs753072659, ClinGen allele CA312872.